The following is an entry in ClinVar:

NM_001903.5(CTNNA1):c.1559del (p.Leu520fs)

Gene: CTNNA1 (catenin alpha 1; plus strand). Cytogenetic location: 5q31.2.
Variant type: Deletion.
Coding change: c.1559del on transcript NM_001903.5 (MANE Select); coding-DNA position 1559, one base deleted (T; older notation c.1559delT).
Protein change: p.Leu520fs; shifts the reading frame from leucine 520.
Molecular consequence: frameshift variant.
Genome position (GRCh38, 1-based): chr5:138,924,522, T deleted; the last of 4 consecutive T bases (chr5:138,924,519-138,924,522); deleting any one gives the same sequence. VCF-style (leftmost placement, unchanged base first): chr5-138924518-AT-A. GRCh37 (hg19) VCF-style: chr5-138260207-AT-A.
Other names: c.1559delT (NM_001903.2); c.1559del, p.Leu520fs (NM_001290307.3, NM_001323982.2, NM_001323983.1 and 2 more transcripts); c.1250del, p.Leu417fs (NM_001290309.3); c.1190del, p.Leu397fs (NM_001290310.3); c.449del, p.Leu150fs (NM_001290312.1, NM_001323987.1, NM_001323988.1 and 17 more transcripts); c.1466del, p.Leu489fs (NM_001323986.2); c.110del, p.Leu37fs (NM_001324006.1, NM_001324007.1, NM_001324008.1 and 2 more transcripts); c.356del, p.Leu119fs (NM_001324011.1); and 1 more; short protein forms L119fs, L150fs, L37fs, L397fs, L417fs, L489fs, L520fs, L69fs.
Identifiers: ClinVar variation 1700653 (VCV001700653.3), dbSNP rs2150287805, ClinGen allele CA2580072864.

ClinVar aggregate classification (germline): Pathogenic. Review status: criteria provided, single submitter (1 of 4 stars). 2 submissions from 2 submitters: Pathogenic (1). 1 of the submissions does not count toward it. Last evaluated 2026-09-02.

Conditions:
Hereditary cancer-predisposing syndrome. Also called: Tumor predisposition; Hereditary neoplastic syndrome; Neoplastic Syndromes, Hereditary; Hereditary Cancer Syndrome. Identifiers: Orphanet 140162, MedGen C0027672, MeSH D009386, MONDO:0015356.
Polyposis syndrome, hereditary mixed, 1 (HMPS1). Also called: COLORECTAL ADENOMA AND CARCINOMA 1; CHROMOSOME 15q13-q14 DUPLICATION SYNDROME, 40-KB. Identifiers: Orphanet 157794, MedGen C1832587, MONDO:0042486, OMIM 601228.

Submissions (2):

Ambry Genetics
Classification: Pathogenic for Hereditary cancer-predisposing syndrome. Last evaluated: 2026-09-02. Review status: criteria provided, single submitter. Criteria: Ambry Variant Classification Scheme 2023. Collection method: clinical testing. Allele origin: germline.
Comment: The c.1559delT pathogenic mutation, located in coding exon 11 of the CTNNA1 gene, results from a deletion of one nucleotide at nucleotide position 1559, causing a translational frameshift with a predicted alternate stop codon (p.L520Wfs*4). This variant is considered to be rare based on population cohorts in the Genome Aggregation Database (gnomAD). This alteration is expected to result in loss of function by premature protein truncation or nonsense-mediated mRNA decay. As such, this alteration is interpreted as a disease-causing mutation.

Genomic Center, National Cancer Institute
Classification: Likely pathogenic for Polyposis syndrome, hereditary mixed, 1. Review status: no assertion criteria provided. Collection method: case-control. Allele origin: germline. Affected: yes. Not counted in ClinVar's aggregate classification.